The following is an entry in ClinVar:

NM_007294.4(BRCA1):c.2915del (p.Gly972fs)

Gene: BRCA1 (BRCA1 DNA repair associated; minus strand). Cytogenetic location: 17q21.31.
Variant type: Deletion.
Coding change: c.2915del on transcript NM_007294.4 (MANE Select); coding-DNA position 2915, one base deleted (G; older notation c.2915delG).
Protein change: p.Gly972fs; shifts the reading frame from glycine 972.
Molecular consequence: frameshift variant. On other transcripts: intron variant (137).
Genome position (GRCh38, 1-based): chr17:43,092,616, C deleted on the plus strand (G on the coding strand, the reverse complement: BRCA1 is on the minus strand); the first of 2 consecutive C bases (chr17:43,092,616-43,092,617); deleting either gives the same sequence. VCF-style (leftmost placement, unchanged base first): chr17-43092615-TC-T. GRCh37 (hg19) VCF-style: chr17-41244632-TC-T.
Other names: 3034delG; c.2915delG (NM_007294.3); c.2915del, p.Gly972fs (NM_001407616.1, NM_001407617.1, NM_001407618.1 and 30 more transcripts); c.2912del, p.Gly971fs (NM_001407627.1, NM_001407628.1, NM_001407629.1 and 22 more transcripts); c.2906del, p.Gly969fs (NM_001407646.1, NM_001407647.1); c.2792del, p.Gly931fs (NM_001407648.1, NM_001407664.1, NM_001407665.1 and 19 more transcripts); c.2789del, p.Gly930fs (NM_001407649.1, NM_001407670.1, NM_001407671.1 and 11 more transcripts); c.2837del, p.Gly946fs (NM_001407653.1, NM_001407654.1, NM_001407655.1 and 4 more transcripts); and 44 more; short protein forms G972fs, G925fs, G676fs, G804fs, G883fs, G884fs, G860fs, G861fs.
Identifiers: ClinVar variation 54716 (VCV000054716.23), dbSNP rs80357573, ClinGen allele CA001901.

ClinVar aggregate classification (germline): Pathogenic. Review status: reviewed by expert panel (3 of 4 stars). 8 submissions from 8 submitters: Pathogenic (1). 7 of the submissions do not count toward it. Last evaluated 2016-09-08.

Conditions:
Inherited breast cancer and ovarian cancer.
Hereditary cancer-predisposing syndrome. Also called: Tumor predisposition; Neoplastic Syndromes, Hereditary; Hereditary Cancer Syndrome; Hereditary neoplastic syndrome. Identifiers: Orphanet 140162, MedGen C0027672, MeSH D009386, MONDO:0015356.
Hereditary breast ovarian cancer syndrome. Also called: Hereditary breast and ovarian cancer syndrome (HBOC); Hereditary breast and ovarian cancer syndrome; Hereditary breast and ovarian cancer; Hereditary breast and/or ovarian cancer syndrome; Breast and ovarian cancer; BRCA1- and BRCA2-Associated Hereditary Breast and Ovarian Cancer. Identifiers: Orphanet 145, MedGen C0677776, MeSH D061325, MONDO:0003582. Disease mechanism: loss of function.
Breast-ovarian cancer, familial, susceptibility to, 1 (BROVCA1). Also called: OVARIAN CANCER, SUSCEPTIBILITY TO; BRCA1 Hereditary Breast and Ovarian Cancer. Identifiers: Orphanet 145, MedGen C2676676, MONDO:0011450, OMIM 604370. Disease mechanism: loss of function.

Submissions (8):

Evidence-based Network for the Interpretation of Germline Mutant Alleles (ENIGMA)
Classification: Pathogenic for Breast-ovarian cancer, familial, susceptibility to, 1. Last evaluated: 2016-09-08. Review status: reviewed by expert panel. Criteria: ENIGMA BRCA1/2 Classification Criteria (2015). Collection method: curation. Allele origin: germline.
Comment: Variant allele predicted to encode a truncated non-functional protein.

Genetics Laboratory, Great Ormond Street Hospital NHS Foundation Trust, North Thames Genomic Laboratory Hub
Classification: Pathogenic for Inherited breast cancer and ovarian cancer. Last evaluated: 2025-08-12. Review status: criteria provided, single submitter. Criteria: CanVIG BRCA Gene Specific V1.22. Collection method: clinical testing. Allele origin: germline. Affected: yes. Not counted in ClinVar's aggregate classification.
Comment: PM2_supporting, PVS1_very-strong, PM5_supporting

Ambry Genetics
Classification: Pathogenic for Hereditary cancer-predisposing syndrome. Last evaluated: 2025-07-02. Review status: criteria provided, single submitter. Criteria: Ambry Variant Classification Scheme 2023. Collection method: clinical testing. Allele origin: germline. Not counted in ClinVar's aggregate classification.
Comment: The c.2915delG pathogenic mutation, located in coding exon 9 of the BRCA1 gene, results from a deletion of one nucleotide at nucleotide position 2915, causing a translational frameshift with a predicted alternate stop codon (p.G972Dfs*28). This variant is considered to be rare based on population cohorts in the Genome Aggregation Database (gnomAD). This alteration is expected to result in loss of function by premature protein truncation or nonsense-mediated mRNA decay. As such, this alteration is interpreted as a disease-causing mutation.

Labcorp Genetics (formerly Invitae), Labcorp
Classification: Pathogenic for Hereditary breast ovarian cancer syndrome. Last evaluated: 2022-11-01. Review status: criteria provided, single submitter. Criteria: Invitae Variant Classification Sherloc (09022015). Collection method: clinical testing. Allele origin: germline. Not counted in ClinVar's aggregate classification.
Comment: This sequence change creates a premature translational stop signal (p.Gly972Aspfs*28) in the BRCA1 gene. It is expected to result in an absent or disrupted protein product. Loss-of-function variants in BRCA1 are known to be pathogenic (PMID: 20104584). For these reasons, this variant has been classified as Pathogenic. ClinVar contains an entry for this variant (Variation ID: 54716). This premature translational stop signal has been observed in individual(s) with clinical features of BRCA1-related conditions (PMID: 21520333). This variant is not present in population databases (gnomAD no frequency).

Color Diagnostics, LLC DBA Color Health
Classification: Pathogenic for Hereditary cancer-predisposing syndrome. Last evaluated: 2020-05-07. Review status: criteria provided, single submitter. Criteria: ACMG Guidelines, 2015. Collection method: clinical testing. Allele origin: germline. Not counted in ClinVar's aggregate classification.
Comment: This variant deletes 1 nucleotide in exon 10 of the BRCA1 gene, creating a frameshift and premature translation stop signal. This variant is expected to result in an absent or non-functional protein product. To our knowledge, this variant has not been reported in individuals affected with hereditary cancer in the literature. This variant has not been identified in the general population by the Genome Aggregation Database (gnomAD). Loss of BRCA1 function is a known mechanism of disease. Based on the available evidence, this variant is classified as Pathogenic.

Laboratory for Molecular Medicine, Mass General Brigham Personalized Medicine
Classification: Likely pathogenic for Hereditary breast ovarian cancer syndrome. Last evaluated: 2019-10-14. Review status: criteria provided, single submitter. Criteria: ACMG Guidelines, 2015. Collection method: clinical testing. Allele origin: germline. Not counted in ClinVar's aggregate classification.
Comment: The p.Gly972AspfsX28 variant in BRCA1 has not been previously reported in individuals with hereditary breast and/or ovarian cancer (HBOC) and was absent from large population studies, but has been reported in ClinVar (Variation ID: 54716). This variant is predicted to cause a frameshift, which alters the protein’s amino acid sequence beginning at position 972 and leads to a premature termination codon 28 amino acids downstream. This alteration is then predicted to lead to a truncated or absent protein. Loss of function of the BRCA1 gene is an established disease mechanism in autosomal dominant HBOC. In summary, although additional studies are required to fully establish its clinical significance, this variant meets criteria to be classified as likely pathogenic for autosomal dominant HBOC. ACMG/AMP Criteria applied: PVS1, PM2.

Counsyl
Classification: Likely pathogenic for Breast-ovarian cancer, familial, susceptibility to, 1. Last evaluated: 2017-01-25. Review status: no assertion criteria provided. Collection method: clinical testing. Allele origin: unknown. Not counted in ClinVar's aggregate classification.

Breast Cancer Information Core (BIC) (BRCA1)
Classification: Pathogenic for Breast-ovarian cancer, familial 1. Last evaluated: 2003-12-23. Review status: no assertion criteria provided. Collection method: clinical testing. Allele origin: germline. Affected: yes. Observed: 4 variant alleles. Not counted in ClinVar's aggregate classification.

Literature cited by the submitters: PubMed 20104584 (cited by Labcorp Genetics (formerly Invitae), Labcorp); PubMed 21520333 (cited by Labcorp Genetics (formerly Invitae), Labcorp); PubMed 16267036 (cited by Counsyl).